The following is an entry in ClinVar:

NM_001378457.1(DMXL2):c.4645G>C (p.Asp1549His)

Gene: DMXL2 (Dmx like 2; minus strand). Cytogenetic location: 15q21.2.
Variant type: single nucleotide variant.
Coding change: c.4645G>C on transcript NM_001378457.1 (MANE Select); coding-DNA position 4645, G replaced by C.
Protein change: p.Asp1549His; replaces aspartic acid 1549 with histidine.
Molecular consequence: missense variant. On other transcripts: non-coding transcript variant (2), intron variant (2).
Genome position (GRCh38, 1-based): chr15:51,498,579, C>G on the plus strand (G>C on the coding strand, the complement: DMXL2 is on the minus strand). VCF-style: chr15-51498579-C-G. GRCh37 (hg19) VCF-style: chr15-51790776-C-G.
Other names: c.4645G>C, p.Asp1549His (NM_001174116.3, NM_001378458.1, NM_001378459.1 and 4 more transcripts); c.4405G>C, p.Asp1469His (NM_001378464.1); c.2765-6832G>C (NM_001378460.1); c.2765-3445G>C (NM_001174117.3); short protein forms D1549H, D1469H.
Identifiers: ClinVar variation 2103304 (VCV002103304.4), dbSNP rs2548503162, ClinGen allele CA392430771.

ClinVar aggregate classification (germline): Uncertain significance (1 of 4 stars; one submission).

Submission:

Labcorp Genetics (formerly Invitae), Labcorp
Classification: Uncertain significance. Last evaluated: 2022-02-25. Review status: criteria provided, single submitter. Criteria: Invitae Variant Classification Sherloc (09022015). Collection method: clinical testing. Allele origin: germline.
Comment: This sequence change replaces aspartic acid, which is acidic and polar, with histidine, which is basic and polar, at codon 1549 of the DMXL2 protein (p.Asp1549His). In summary, the available evidence is currently insufficient to determine the role of this variant in disease. Therefore, it has been classified as a Variant of Uncertain Significance. Algorithms developed to predict the effect of missense changes on protein structure and function are either unavailable or do not agree on the potential impact of this missense change (SIFT: "Tolerated"; PolyPhen-2: "Possibly Damaging"; Align-GVGD: "Class C0"). This variant has not been reported in the literature in individuals affected with DMXL2-related conditions. This variant is not present in population databases (gnomAD no frequency).